The following is an entry in ClinVar:

ClinVar aggregate classification (germline): Uncertain significance (1 of 4 stars; one submission).

gnomAD v4.1: 16 of 1,613,428 alleles (0.00099%); highest among the groups gnomAD compares: South Asian, 0.0022%; no homozygotes.

Submission:

GeneDx
Classification: Uncertain significance. Last evaluated: 2025-01-30. Review status: criteria provided, single submitter. Criteria: GeneDx Variant Classification Process June 2021. Collection method: clinical testing. Allele origin: germline. Affected: yes.
Comment: In silico analysis supports that this missense variant has a deleterious effect on protein structure/function; Has not been previously published as pathogenic or benign to our knowledge

NM_004984.4(KIF5A):c.1141C>T (p.Arg381Cys)

Gene: KIF5A (kinesin family member 5A; plus strand). Cytogenetic location: 12q13.3.
Variant type: single nucleotide variant.
Coding change: c.1141C>T on transcript NM_004984.4 (MANE Select); coding-DNA position 1141, C replaced by T.
Protein change: p.Arg381Cys; replaces arginine 381 with cysteine.
Molecular consequence: missense variant.
Genome position (GRCh38, 1-based): chr12:57,570,010, C>T. VCF-style: chr12-57570010-C-T. GRCh37 (hg19) VCF-style: chr12-57963793-C-T.
Other names: c.874C>T, p.Arg292Cys (NM_001354705.2); short protein forms R292C, R381C.
Identifiers: ClinVar variation 4072722 (VCV004072722.1).